The following is an entry in ClinVar:

NM_000219.6(KCNE1):c.170T>A (p.Phe57Tyr)

Gene: KCNE1 (potassium voltage-gated channel subfamily E regulatory subunit 1; minus strand). Cytogenetic location: 21q22.12.
Variant type: single nucleotide variant.
Coding change: c.170T>A on transcript NM_000219.6 (MANE Select); coding-DNA position 170, T replaced by A.
Protein change: p.Phe57Tyr; replaces phenylalanine 57 with tyrosine.
Molecular consequence: missense variant.
Genome position (GRCh38, 1-based): chr21:34,449,465, A>T on the plus strand (T>A on the coding strand, the complement: KCNE1 is on the minus strand). VCF-style: chr21-34449465-A-T. GRCh37 (hg19) VCF-style: chr21-35821763-A-T.
Other names: c.170T>A, p.Phe57Tyr (NM_001127668.4, NM_001127669.4, NM_001127670.4 and 4 more transcripts); short protein forms F57Y.
Identifiers: ClinVar variation 3374233 (VCV003374233.2).

Conditions:
Long QT syndrome 5 (LQT5). Identifiers: Orphanet 101016, Orphanet 768, MedGen C1867904, MONDO:0013372, OMIM 613695.

Submission:

Roden Lab, Vanderbilt University Medical Center
No classification provided (evidence only). Condition: Long QT syndrome 5. Review status: no classification provided. Collection method: in vitro. Allele origin: not applicable. Functional consequence: Effect on ion channel function.
ClinVar note: "not provided" was previously submitted as the classification for the variant. However, the classification appeared to be based only on an observation of functional data so it was converted to no classification on 2025-07-30.